The following is an entry in ClinVar:

ClinVar aggregate classification (germline): Uncertain significance (1 of 4 stars; one submission).

Conditions:
Inborn genetic diseases. Identifiers: MedGen C0950123, MeSH D030342.

Submission:

Ambry Genetics
Classification: Uncertain significance for Inborn genetic diseases. Last evaluated: 2025-02-22. Review status: criteria provided, single submitter. Criteria: Ambry Variant Classification Scheme 2023. Collection method: clinical testing. Allele origin: germline.
Comment: The p.T130A variant (also known as c.388A>G), located in coding exon 4 of the CEP57 gene, results from an A to G substitution at nucleotide position 388. The threonine at codon 130 is replaced by alanine, an amino acid with similar properties. This amino acid position is conserved. In addition, this alteration is predicted to be tolerated by in silico analysis. Based on the available evidence, the clinical significance of this variant remains unclear.

NM_014679.5(CEP57):c.388A>G (p.Thr130Ala)

Gene: CEP57 (centrosomal protein 57; plus strand). Cytogenetic location: 11q21.
Variant type: single nucleotide variant.
Coding change: c.388A>G on transcript NM_014679.5 (MANE Select); coding-DNA position 388, A replaced by G.
Protein change: p.Thr130Ala; replaces threonine 130 with alanine.
Molecular consequence: missense variant.
Genome position (GRCh38, 1-based): chr11:95,813,473, A>G. VCF-style: chr11-95813473-A-G. GRCh37 (hg19) VCF-style: chr11-95546637-A-G.
Other names: c.361A>G, p.Thr121Ala (NM_001243776.2); c.388A>G, p.Thr130Ala (NM_001243777.2); c.307A>G, p.Thr103Ala (NM_001363604.2); short protein forms T103A, T121A, T130A.
Identifiers: ClinVar variation 3832004 (VCV003832004.1).